The following is an entry in ClinVar:

ClinVar aggregate classification (germline): Uncertain significance. Review status: criteria provided, multiple submitters, no conflicts (2 of 4 stars). 2 submissions from 2 submitters: Uncertain significance (2). Last evaluated 2023-12-19.

Allele frequency attached by ClinVar (database versions not stated): gnomAD 0.00001 and 0.00002; TOPMed 0.00001; gnomAD exomes 0.00002; ExAC 0.00004.
gnomAD v4.1: 42 of 1,605,098 alleles (0.0026%); highest among the groups gnomAD compares: Middle Eastern, 0.016%; no homozygotes.

Submissions (2):

Ambry Genetics
Classification: Uncertain significance. Last evaluated: 2023-12-19. Review status: criteria provided, single submitter. Criteria: Ambry Variant Classification Scheme 2023. Collection method: clinical testing. Allele origin: germline.

Labcorp Genetics (formerly Invitae), Labcorp
Classification: Uncertain significance. Last evaluated: 2022-08-21. Review status: criteria provided, single submitter. Criteria: Invitae Variant Classification Sherloc (09022015). Collection method: clinical testing. Allele origin: germline.
Comment: This sequence change replaces arginine, which is basic and polar, with glutamine, which is neutral and polar, at codon 370 of the LIG1 protein (p.Arg370Gln). This variant is present in population databases (rs768968095, gnomAD 0.009%). This variant has not been reported in the literature in individuals affected with LIG1-related conditions. ClinVar contains an entry for this variant (Variation ID: 1472894). Algorithms developed to predict the effect of missense changes on protein structure and function are either unavailable or do not agree on the potential impact of this missense change (SIFT: "Deleterious"; PolyPhen-2: "Benign"; Align-GVGD: "Class C0"). In summary, the available evidence is currently insufficient to determine the role of this variant in disease. Therefore, it has been classified as a Variant of Uncertain Significance.

NM_000234.3(LIG1):c.1109G>A (p.Arg370Gln)

Gene: LIG1 (DNA ligase 1; minus strand). Cytogenetic location: 19q13.33.
Variant type: single nucleotide variant.
Coding change: c.1109G>A on transcript NM_000234.3 (MANE Select); coding-DNA position 1109, G replaced by A.
Protein change: p.Arg370Gln; replaces arginine 370 with glutamine.
Molecular consequence: missense variant. On other transcripts: non-coding transcript variant (6).
Genome position (GRCh38, 1-based): chr19:48,137,667, C>T on the plus strand (G>A on the coding strand, the complement: LIG1 is on the minus strand). VCF-style: chr19-48137667-C-T. GRCh37 (hg19) VCF-style: chr19-48640924-C-T.
Other names: c.1016G>A, p.Arg339Gln (NM_001289063.2); c.905G>A, p.Arg302Gln (NM_001289064.2); c.1106G>A, p.Arg369Gln (NM_001320970.2); c.1019G>A, p.Arg340Gln (NM_001320971.2); c.1109G>A (NM_000234.1); short protein forms R340Q, R339Q, R369Q, R370Q, R302Q.
Identifiers: ClinVar variation 1472894 (VCV001472894.6), dbSNP rs768968095, ClinGen allele CA9546948.
Genomic context (GRCh38, chr19:48,137,667, plus strand): 5'-TGGGTGCTGCGGCTGTTCTCGGCCACCAGCCCCACGTCGCCTTTCTCGGCTGCCTCAGCC[C>T]GGACGGACTCCAGCTGCCGACCTTCAGGGGAGAGCGCGGGTGGGGGTGTCGAGGGTGACA-3'
Protein context (NP_000225.1, residues 360-380): QATGRQLESV[Arg370Gln]AEAAEKGDVG